The following is an entry in ClinVar:

ClinVar aggregate classification (germline): Conflicting classifications of pathogenicity. Review status: criteria provided, conflicting classifications (1 of 4 stars). 4 submissions from 4 submitters: Uncertain significance (3); Likely benign (1). Last evaluated 2024-08-08.

Conditions:
Emery-Dreifuss muscular dystrophy 5, autosomal dominant (EDMD5). Also called: EMERY-DREIFUSS MUSCULAR DYSTROPHY 5. Identifiers: Orphanet 261, MedGen C2751805, MONDO:0013072, OMIM 612999.

Allele frequency attached by ClinVar (database versions not stated): ExAC 0.00002; gnomAD 0.00005; ESP Exome Variant Server 0.00008; TOPMed 0.00010.
gnomAD v4.1: 165 of 1,613,982 alleles (0.01%); highest among the groups gnomAD compares: Non-Finnish European, 0.014%; no homozygotes.

Submissions (4):

Labcorp Genetics (formerly Invitae), Labcorp
Classification: Uncertain significance for Emery-Dreifuss muscular dystrophy 5, autosomal dominant. Last evaluated: 2024-08-08. Review status: criteria provided, single submitter. Criteria: Invitae Variant Classification Sherloc (09022015). Collection method: clinical testing. Allele origin: germline.
Comment: This sequence change replaces leucine, which is neutral and non-polar, with valine, which is neutral and non-polar, at codon 2229 of the SYNE2 protein (p.Leu2229Val). This variant is present in population databases (rs375543783, gnomAD 0.009%). This variant has not been reported in the literature in individuals affected with SYNE2-related conditions. ClinVar contains an entry for this variant (Variation ID: 281273). An algorithm developed to predict the effect of missense changes on protein structure and function (PolyPhen-2) suggests that this variant is likely to be disruptive. In summary, the available evidence is currently insufficient to determine the role of this variant in disease. Therefore, it has been classified as a Variant of Uncertain Significance.

Ambry Genetics
Classification: Uncertain significance. Last evaluated: 2024-04-12. Review status: criteria provided, single submitter. Criteria: Ambry Variant Classification Scheme 2023. Collection method: clinical testing. Allele origin: germline.

Illumina Laboratory Services, Illumina
Classification: Likely benign for Emery-Dreifuss muscular dystrophy 5, autosomal dominant. Last evaluated: 2018-01-13. Review status: criteria provided, single submitter. Criteria: ICSL Variant Classification Criteria 13 December 2019. Collection method: clinical testing. Allele origin: germline.
Comment: This variant was observed in the ICSL laboratory as part of a predisposition screen in an ostensibly healthy population. It had not been previously curated by ICSL or reported in the Human Gene Mutation Database (HGMD: prior to June 1st, 2018), and was therefore a candidate for classification through an automated scoring system. Utilizing variant allele frequency, disease prevalence and penetrance estimates, and inheritance mode, an automated score was calculated to assess if this variant is too frequent to cause the disease. Based on the score and internal cut-off values, a variant classified as likely benign is not then subjected to further curation. The score for this variant resulted in a classification of likely benign for this disease.

Eurofins Ntd Llc (ga)
Classification: Uncertain significance. Last evaluated: 2015-06-26. Review status: criteria provided, single submitter. Criteria: EGL Classification Definitions 2015. Collection method: clinical testing. Allele origin: germline. Observed: 2 variant alleles, 2 heterozygotes.

NM_182914.3(SYNE2):c.6685C>G (p.Leu2229Val)

Gene: SYNE2 (spectrin repeat containing nuclear envelope protein 2; plus strand). Cytogenetic location: 14q23.2.
Variant type: single nucleotide variant.
Coding change: c.6685C>G on transcript NM_182914.3 (MANE Select); coding-DNA position 6685, C replaced by G.
Protein change: p.Leu2229Val; replaces leucine 2229 with valine.
Molecular consequence: missense variant.
Genome position (GRCh38, 1-based): chr14:64,027,764, C>G. VCF-style: chr14-64027764-C-G. GRCh37 (hg19) VCF-style: chr14-64494482-C-G.
Other names: c.6685C>G, p.Leu2229Val (NM_015180.6); short protein forms L2229V.
Identifiers: ClinVar variation 281273 (VCV000281273.16), dbSNP rs375543783, ClinGen allele CA7220742.
Genomic context (GRCh38, chr14:64,027,764, plus strand): 5'-CTCTTGGAGTGCACTAAAAATCCCAGCTTCAGTGAAGAGCCTTGGCTGGAAATAAAGCAT[C>G]TACACGAAAGTCTTCTTCAACAACTGCAGGTGAGGTGGTCAAAATAATGCTTTAAATGAT-3'
Protein context (NP_878918.2, residues 2219-2239): SEEPWLEIKH[Leu2229Val]HESLLQQLQD